The following is an entry in ClinVar:

ClinVar aggregate classification (germline): Uncertain significance. Review status: criteria provided, multiple submitters, no conflicts (2 of 4 stars). 2 submissions from 2 submitters: Uncertain significance (2). Last evaluated 2022-05-07.

Conditions:
Potassium-aggravated myotonia. Also called: MYOTONIA CONGENITA, ACETAZOLAMIDE-RESPONSIVE; MYOTONIA CONGENITA, ATYPICAL; SODIUM CHANNEL MUSCLE DISEASE; Myotonia congenita, atypical, acetazolamide-responsive. Identifiers: Orphanet 612, Orphanet 99734, Orphanet 99735, Orphanet 99736, MedGen C2931826, MONDO:0018959, OMIM 608390.
Hypokalemic periodic paralysis, type 2 (HOKPP2). Identifiers: Orphanet 681, MedGen C2750061, MONDO:0013234, OMIM 613345.
Paramyotonia congenita of Von Eulenburg. Also called: PARALYSIS PERIODICA PARAMYOTONICA; Paramyotonia Congenita; Eulenburg disease; Myotonia congenita intermittens; Von Eulenburg paramyotonia congenita. Identifiers: Orphanet 684, MedGen C0221055, MONDO:0008195, OMIM 168300. Disease mechanism: loss of function.
Hyperkalemic periodic paralysis. Also called: Familial hyperkalemic periodic paralysis; Gamstorp disease. Identifiers: Orphanet 682, MedGen C0238357, MONDO:0008224, OMIM 170500, HP:0007215.
Hypokalemic periodic paralysis, type 1. Also called: Hypokalemic Periodic Paralysis Type 1 (AD); HypoPP. Identifiers: Orphanet 681, MedGen C3714580, MONDO:0042979, OMIM 170400.
Congenital myasthenic syndrome 16. Identifiers: Orphanet 590, MedGen C3280112, MONDO:0013620, OMIM 614198.

Allele frequency attached by ClinVar (database versions not stated): gnomAD exomes below 0.00001 and 0.00002.
gnomAD v4.1: 29 of 1,613,930 alleles (0.0018%); highest among the groups gnomAD compares: Non-Finnish European, 0.0025%; no homozygotes.

Submissions (2):

Fulgent Genetics
Classification: Uncertain significance for Paramyotonia congenita of Von Eulenburg; Hypokalemic periodic paralysis, type 1; Hyperkalemic periodic paralysis; Potassium-aggravated myotonia; Hypokalemic periodic paralysis, type 2; Congenital myasthenic syndrome 16. Last evaluated: 2022-05-07. Review status: criteria provided, single submitter. Criteria: ACMG Guidelines, 2015. Collection method: clinical testing. Allele origin: unknown.

Labcorp Genetics (formerly Invitae), Labcorp
Classification: Uncertain significance for Hyperkalemic periodic paralysis. Last evaluated: 2020-02-14. Review status: criteria provided, single submitter. Criteria: Invitae Variant Classification Sherloc (09022015). Collection method: clinical testing. Allele origin: germline.
Comment: Algorithms developed to predict the effect of missense changes on protein structure and function are either unavailable or do not agree on the potential impact of this missense change (SIFT: "Deleterious"; PolyPhen-2: "Benign"; Align-GVGD: "Class C0"). In summary, the available evidence is currently insufficient to determine the role of this variant in disease. Therefore, it has been classified as a Variant of Uncertain Significance. This variant has not been reported in the literature in individuals with SCN4A-related conditions. This sequence change replaces alanine with valine at codon 1636 of the SCN4A protein (p.Ala1636Val). The alanine residue is weakly conserved and there is a small physicochemical difference between alanine and valine. This variant is not present in population databases (ExAC no frequency).

NM_000334.4(SCN4A):c.4907C>T (p.Ala1636Val)

Genes: GH-LCR (growth hormone locus control region; plus strand), SCN4A (sodium voltage-gated channel alpha subunit 4; minus strand). Cytogenetic location: 17q23.3.
Variant type: single nucleotide variant.
Coding change: c.4907C>T on transcript NM_000334.4 (MANE Select); coding-DNA position 4907, C replaced by T.
Protein change: p.Ala1636Val; replaces alanine 1636 with valine.
Molecular consequence: missense variant.
Genome position (GRCh38, 1-based): chr17:63,941,375, G>A on the plus strand (C>T on the coding strand, the complement: SCN4A is on the minus strand). VCF-style: chr17-63941375-G-A. GRCh37 (hg19) VCF-style: chr17-62018735-G-A.
Other names: short protein forms A1636V.
Identifiers: ClinVar variation 644159 (VCV000644159.10), dbSNP rs770647690, ClinGen allele CA292956782.